The following is an entry in ClinVar:

NM_000038.6(APC):c.74A>G (p.Gln25Arg)

Gene: APC (APC regulator of Wnt signaling pathway; plus strand). Cytogenetic location: 5q22.2.
Variant type: single nucleotide variant.
Coding change: c.74A>G on transcript NM_000038.6 (MANE Select); coding-DNA position 74, A replaced by G.
Protein change: p.Gln25Arg; replaces glutamine 25 with arginine.
Molecular consequence: missense variant. On other transcripts: 5 prime UTR variant (1), intron variant (8).
Genome position (GRCh38, 1-based): chr5:112,754,964, A>G. VCF-style: chr5-112754964-A-G. GRCh37 (hg19) VCF-style: chr5-112090661-A-G.
Other names: c.74A>G, p.Gln25Arg (NM_001127510.3, NM_001354896.2, NM_001354895.2 and 2 more transcripts); c.-962A>G (NM_001354906.2); c.166-11362A>G (NM_001354897.2, NM_001354902.2, NM_001127511.3); c.61-11362A>G (NM_001354898.2, NM_001354904.2); c.-42-11362A>G (NM_001354900.2, NM_001354901.2, NM_001354905.2); short protein forms Q25R.
Identifiers: ClinVar variation 230133 (VCV000230133.5), dbSNP rs876658408, ClinGen allele CA10578281.

ClinVar aggregate classification (germline): Uncertain significance (1 of 4 stars; one submission).

Conditions:
Hereditary cancer-predisposing syndrome. Also called: Hereditary neoplastic syndrome; Hereditary Cancer Syndrome; Neoplastic Syndromes, Hereditary; Tumor predisposition. Identifiers: Orphanet 140162, MedGen C0027672, MeSH D009386, MONDO:0015356.

Submission:

Ambry Genetics
Classification: Uncertain significance for Hereditary cancer-predisposing syndrome. Last evaluated: 2015-01-26. Review status: criteria provided, single submitter. Criteria: Ambry Variant Classification Scheme 2023. Collection method: clinical testing. Allele origin: germline.
Comment: The p.Q25R variant (also known as c.74A>G), located in coding exon 1 of the APC gene, results from an A to G substitution at nucleotide position 74. The glutamine at codon 25 is replaced by arginine, an amino acid with highly similar properties. This variant was not reported in population based cohorts in the following databases: Database of Single Nucleotide Polymorphisms (dbSNP), NHLBI Exome Sequencing Project (ESP), and 1000 Genomes Project. In the ESP, this variant was not observed in 6502 samples (13004 alleles) with coverage at this position. To date, this alteration has been detected with an allele frequency of approximately 0.005% (greater than 21000 alleles tested) in our clinical cohort. This amino acid position is highly conserved in available vertebrate species. In addition, in silico predictors for this gene do not accurately predict pathogenicity. Since supporting evidence is limited at this time, the clinical significance of p.Q25R remains unclear.